The following is an entry in ClinVar:

ClinVar aggregate classification (germline): Uncertain significance (1 of 4 stars; one submission).

Conditions:
Congenital contractural arachnodactyly (CCA). Also called: Beals-Hecht syndrome; Arthrogryposis, distal, type 9; BEALS SYNDROME. Identifiers: Orphanet 115, MedGen C0220668, MONDO:0007363, OMIM 121050.

Submission:

Labcorp Genetics (formerly Invitae), Labcorp
Classification: Uncertain significance for Congenital contractural arachnodactyly. Last evaluated: 2023-09-13. Review status: criteria provided, single submitter. Criteria: Invitae Variant Classification Sherloc (09022015). Collection method: clinical testing. Allele origin: unknown.
Comment: This variant is a gross deletion of the genomic region encompassing exon(s) 47-48 of the FBN2 gene. This variant would be expected to be in-frame, preserving the integrity of the reading frame. This variant has not been reported in the literature in individuals affected with FBN2-related conditions. Experimental studies and prediction algorithms are not available or were not evaluated, and the functional significance of this variant is currently unknown. In summary, the available evidence is currently insufficient to determine the role of this variant in disease. Therefore, it has been classified as a Variant of Uncertain Significance.

NC_000005.9:g.(?_127636489)_(127637222_?)del

Gene: FBN2 (fibrillin 2; minus strand). Cytogenetic location: 5q23.3.
Variant type: Deletion.
Identifiers: ClinVar variation 3246296 (VCV003246296.1).